The following is an entry in ClinVar:

NM_000038.6(APC):c.4640A>G (p.Glu1547Gly)

Gene: APC (APC regulator of Wnt signaling pathway; plus strand). Cytogenetic location: 5q22.2.
Variant type: single nucleotide variant.
Coding change: c.4640A>G on transcript NM_000038.6 (MANE Select); coding-DNA position 4640, A replaced by G.
Protein change: p.Glu1547Gly; replaces glutamic acid 1547 with glycine.
Molecular consequence: missense variant.
Genome position (GRCh38, 1-based): chr5:112,840,234, A>G. VCF-style: chr5-112840234-A-G. GRCh37 (hg19) VCF-style: chr5-112175931-A-G.
Other names: c.4640A>G, p.Glu1547Gly (NM_001127510.3, NM_001354895.2); c.4586A>G, p.Glu1529Gly (NM_001127511.3); c.4694A>G, p.Glu1565Gly (NM_001354896.2); c.4670A>G, p.Glu1557Gly (NM_001354897.2); c.4565A>G, p.Glu1522Gly (NM_001354898.2); c.4556A>G, p.Glu1519Gly (NM_001354899.2); c.4517A>G, p.Glu1506Gly (NM_001354900.2); c.4463A>G, p.Glu1488Gly (NM_001354901.2); and 5 more; short protein forms E1529G, E1547G, E1387G, E1421G, E1506G, E1557G, E1446G, E1456G.
Identifiers: ClinVar variation 185024 (VCV000185024.14), dbSNP rs786201876, ClinGen allele CA009669.

ClinVar aggregate classification (germline): Uncertain significance. Review status: criteria provided, multiple submitters, no conflicts (2 of 4 stars). 4 submissions from 4 submitters: Uncertain significance (4). Last evaluated 2025-04-28.

Conditions:
Hereditary cancer-predisposing syndrome. Also called: Hereditary neoplastic syndrome; Neoplastic Syndromes, Hereditary; Tumor predisposition; Hereditary Cancer Syndrome. Identifiers: Orphanet 140162, MedGen C0027672, MeSH D009386, MONDO:0015356.
Familial adenomatous polyposis 1 (FAP1). Also called: FAMILIAL ADENOMATOUS POLYPOSIS 1, ATTENUATED; POLYPOSIS, ADENOMATOUS INTESTINAL. Identifiers: MedGen C2713442, MONDO:0021056, OMIM 175100. Disease mechanism: loss of function.

Submissions (4):

Labcorp Genetics (formerly Invitae), Labcorp
Classification: Uncertain significance for Familial adenomatous polyposis 1. Last evaluated: 2025-04-28. Review status: criteria provided, single submitter. Criteria: Invitae Variant Classification Sherloc (09022015). Collection method: clinical testing. Allele origin: germline.
Comment: This sequence change replaces glutamic acid, which is acidic and polar, with glycine, which is neutral and non-polar, at codon 1547 of the APC protein (p.Glu1547Gly). This variant is not present in population databases (gnomAD no frequency). This variant has not been reported in the literature in individuals affected with APC-related conditions. ClinVar contains an entry for this variant (Variation ID: 185024). Invitae Evidence Modeling of protein sequence and biophysical properties (such as structural, functional, and spatial information, amino acid conservation, physicochemical variation, residue mobility, and thermodynamic stability) indicates that this missense variant is not expected to disrupt APC protein function with a negative predictive value of 95%. In summary, the available evidence is currently insufficient to determine the role of this variant in disease. Therefore, it has been classified as a Variant of Uncertain Significance.

Color Diagnostics, LLC DBA Color Health
Classification: Uncertain significance for Hereditary cancer-predisposing syndrome. Last evaluated: 2024-03-06. Review status: criteria provided, single submitter. Criteria: ACMG Guidelines, 2015. Collection method: clinical testing. Allele origin: germline.
Comment: This missense variant replaces glutamic acid with glycine at codon 1547 of the APC protein. Computational prediction suggests that this variant may not impact protein structure and function (internally defined REVEL score threshold <= 0.5, PMID: 27666373). To our knowledge, functional studies have not been reported for this variant. This variant has not been reported in individuals affected with hereditary cancer in the literature. This variant has not been identified in the general population by the Genome Aggregation Database (gnomAD). The available evidence is insufficient to determine the role of this variant in disease conclusively. Therefore, this variant is classified as a Variant of Uncertain Significance.

GeneDx
Classification: Uncertain significance. Last evaluated: 2024-01-17. Review status: criteria provided, single submitter. Criteria: GeneDx Variant Classification Process June 2021. Collection method: clinical testing. Allele origin: germline. Affected: yes.
Comment: Not observed at significant frequency in large population cohorts (gnomAD); In silico analysis supports that this missense variant does not alter protein structure/function; Has not been previously published as pathogenic or benign to our knowledge; This variant is associated with the following publications: (PMID: 18199528)

Ambry Genetics
Classification: Uncertain significance for Hereditary cancer-predisposing syndrome. Last evaluated: 2023-12-04. Review status: criteria provided, single submitter. Criteria: Ambry Variant Classification Scheme 2023. Collection method: clinical testing. Allele origin: germline.
Comment: The p.E1547G variant (also known as c.4640A>G), located in coding exon 15 of the APC gene, results from an A to G substitution at nucleotide position 4640. The glutamic acid at codon 1547 is replaced by glycine, an amino acid with similar properties. This amino acid position is not well conserved in available vertebrate species. In addition, in silico predictors for this gene do not accurately predict pathogenicity. Since supporting evidence is limited at this time, the clinical significance of this alteration remains unclear.